The following is an entry in ClinVar:

ClinVar aggregate classification (germline): Uncertain significance (1 of 4 stars; one submission).

Submission:

Women's Health and Genetics/Laboratory Corporation of America, LabCorp
Classification: Uncertain significance. Last evaluated: 2024-08-02. Review status: criteria provided, single submitter. Criteria: LabCorp Variant Classification Summary - May 2015. Collection method: clinical testing. Allele origin: germline.
Comment: Variant summary: ALPL c.719A>G (p.Glu240Gly) results in a non-conservative amino acid change in the encoded protein sequence. Three of five in-silico tools predict a benign effect of the variant on protein function. The variant was absent in 251442 control chromosomes. The available data on variant occurrences in the general population are insufficient to allow any conclusion about variant significance. To our knowledge, no occurrence of c.719A>G in individuals affected with Hypophosphatasia and no experimental evidence demonstrating its impact on protein function have been reported. No submitters have cited clinical-significance assessments for this variant to ClinVar. Based on the evidence outlined above, the variant was classified as uncertain significance.

NM_000478.6(ALPL):c.719A>G (p.Glu240Gly)

Gene: ALPL (alkaline phosphatase, biomineralization associated; plus strand). Cytogenetic location: 1p36.12.
Variant type: single nucleotide variant.
Coding change: c.719A>G on transcript NM_000478.6 (MANE Select); coding-DNA position 719, A replaced by G.
Protein change: p.Glu240Gly; replaces glutamic acid 240 with glycine.
Molecular consequence: missense variant.
Genome position (GRCh38, 1-based): chr1:21,568,174, A>G. VCF-style: chr1-21568174-A-G. GRCh37 (hg19) VCF-style: chr1-21894667-A-G.
Other names: c.554A>G, p.Glu185Gly (NM_001127501.4); c.488A>G, p.Glu163Gly (NM_001177520.3); c.719A>G, p.Glu240Gly (NM_001369803.2, NM_001369804.2, NM_001369805.2); short protein forms E163G, E185G, E240G.
Identifiers: ClinVar variation 3366539 (VCV003366539.1).
Genomic context (GRCh38, chr1:21,568,174, plus strand): 5'-GGGGTGGCCGGAAATACATGTACCCCAAGAATAAAACTGATGTGGAGTATGAGAGTGACG[A>G]GAAAGCCAGGGGCACGAGGCTGGACGGCCTGGACCTCGTTGACACCTGGAAGAGCTTCAA-3'
Protein context (NP_000469.3, residues 230-250): NKTDVEYESD[Glu240Gly]KARGTRLDGL